The following is an entry in ClinVar:

ClinVar aggregate classification (germline): Uncertain significance (1 of 4 stars; one submission).

Conditions:
Neurodevelopmental disorder with hypotonia, seizures, and absent language (NDHSAL). Identifiers: MedGen C4310643, MONDO:0014995, OMIM 617268.

Allele frequency attached by ClinVar (database versions not stated): gnomAD exomes below 0.00001; gnomAD 0.00001; TOPMed 0.00001.
gnomAD v4.1: 2 of 1,614,100 alleles (0.00012%); highest among the groups gnomAD compares: African/African-American, 0.0013%; no homozygotes.

Submission:

Baylor Genetics
Classification: Uncertain significance for Neurodevelopmental disorder with hypotonia, seizures, and absent language. Last evaluated: 2018-03-19. Review status: criteria provided, single submitter. Criteria: ACMG Guidelines, 2015. Collection method: clinical testing. Allele origin: unknown. Affected: yes.
Comment: This variant was determined to be of uncertain significance according to ACMG Guidelines, 2015 [PMID:25741868].

NM_001348768.2(HECW2):c.1093C>G (p.Gln365Glu)

Gene: HECW2 (HECT, C2 and WW domain containing E3 ubiquitin protein ligase 2; minus strand). Cytogenetic location: 2q32.3.
Variant type: single nucleotide variant.
Coding change: c.1093C>G on transcript NM_001348768.2 (MANE Select); coding-DNA position 1093, C replaced by G.
Protein change: p.Gln365Glu; replaces glutamine 365 with glutamic acid.
Molecular consequence: missense variant.
Genome position (GRCh38, 1-based): chr2:196,319,797, G>C on the plus strand (C>G on the coding strand, the complement: HECW2 is on the minus strand). VCF-style: chr2-196319797-G-C. GRCh37 (hg19) VCF-style: chr2-197184521-G-C.
Other names: c.25C>G, p.Gln9Glu (NM_001304840.3); c.1093C>G, p.Gln365Glu (NM_020760.4); short protein forms Q9E, Q365E.
Identifiers: ClinVar variation 1032098 (VCV001032098.1), dbSNP rs1219315180, ClinGen allele CA349967107.